The following is an entry in ClinVar:

ClinVar aggregate classification (germline): Conflicting classifications of pathogenicity. Review status: criteria provided, conflicting classifications (1 of 4 stars). 6 submissions from 6 submitters: Uncertain significance (5); Benign (1). Last evaluated 2025-10-23.

Conditions:
Bethlem myopathy 1C (BTHLM1C). Identifiers: MedGen C5935581, MONDO:0958234, OMIM 620726.
Ullrich congenital muscular dystrophy 1C (UCMD1C). Identifiers: MedGen C5935583, MONDO:0958236, OMIM 620728.
Dystonia 27 (DYT27). Identifiers: Orphanet 464440, MedGen C4225336, MONDO:0014627, OMIM 616411.
Bethlem myopathy 1A. Also called: MYOPATHY, BENIGN CONGENITAL, WITH CONTRACTURES; Bethlem Muscular Dystrophy; Bethlem myopathy 1. Identifiers: Orphanet 610, MedGen CN029274, MONDO:0024530, OMIM 158810.

Allele frequency attached by ClinVar (database versions not stated): TOPMed 0.00008; ESP Exome Variant Server 0.00015; 1000 Genomes Project 0.00040; 1000 Genomes Project 30x 0.00047.
gnomAD v4.1: 146 of 1,614,206 alleles (0.009%); highest among the groups gnomAD compares: Non-Finnish European, 0.011%; no homozygotes.

Submissions (6):

Athena Diagnostics
Classification: Uncertain significance. Last evaluated: 2025-10-23. Review status: criteria provided, single submitter. Criteria: Athena Diagnostics Criteria. Collection method: clinical testing. Allele origin: unknown.
Comment: Available data are insufficient to determine the clinical significance of the variant at this time. The frequency of this variant in the general population is uninformative in assessment of its pathogenicity. Polyphen and MutationTaster yielded discordant predictions regarding whether this amino acid change is damaging to the protein.

Labcorp Genetics (formerly Invitae), Labcorp
Classification: Benign for Bethlem myopathy 1A. Last evaluated: 2025-04-17. Review status: criteria provided, single submitter. Criteria: Invitae Variant Classification Sherloc (09022015). Collection method: clinical testing. Allele origin: germline.

Revvity Omics, Revvity
Classification: Uncertain significance. Last evaluated: 2025-03-17. Review status: criteria provided, single submitter. Criteria: ACMG Guidelines, 2015. Collection method: clinical testing. Allele origin: germline.

Fulgent Genetics
Classification: Uncertain significance for Dystonia 27; Bethlem myopathy 1C; Ullrich congenital muscular dystrophy 1C. Last evaluated: 2024-06-11. Review status: criteria provided, single submitter. Criteria: ACMG Guidelines, 2015. Collection method: clinical testing. Allele origin: germline.

Eurofins Ntd Llc (ga)
Classification: Uncertain significance. Last evaluated: 2017-06-27. Review status: criteria provided, single submitter. Criteria: EGL Classification Definitions 2015. Collection method: clinical testing. Allele origin: germline. Observed: 2 variant alleles, 2 heterozygotes.

Center for Genetic Medicine Research, Children's National Medical Center
Classification: Uncertain significance. Last evaluated: 2015-12-01. Review status: criteria provided, single submitter. Criteria: Punetha et al. (J Neuromuscul Dis. 2016). Collection method: research. Allele origin: unknown.

Literature cited by the submitters: PubMed 27854218 (cited by Athena Diagnostics).

NM_004369.4(COL6A3):c.2218C>T (p.Arg740Cys)

Gene: COL6A3 (collagen type VI alpha 3 chain; minus strand). Cytogenetic location: 2q37.3.
Variant type: single nucleotide variant.
Coding change: c.2218C>T on transcript NM_004369.4 (MANE Select); coding-DNA position 2218, C replaced by T.
Protein change: p.Arg740Cys; replaces arginine 740 with cysteine.
Molecular consequence: missense variant. On other transcripts: intron variant (1).
Genome position (GRCh38, 1-based): chr2:237,378,915, G>A on the plus strand (C>T on the coding strand, the complement: COL6A3 is on the minus strand). VCF-style: chr2-237378915-G-A. GRCh37 (hg19) VCF-style: chr2-238287558-G-A.
Other names: c.997C>T, p.Arg333Cys (NM_057164.5); c.1600C>T, p.Arg534Cys (NM_057165.5, NM_057167.4); c.677-1571C>T (NM_057166.5); short protein forms R740C, R333C, R534C.
Identifiers: ClinVar variation 224687 (VCV000224687.15), dbSNP rs147182340, ClinGen allele CA2189454.